The following is an entry in ClinVar:

ClinVar aggregate classification (germline): Uncertain significance (1 of 4 stars; one submission).

Allele frequency attached by ClinVar (database versions not stated): gnomAD exomes below 0.00001; TOPMed below 0.00001; gnomAD 0.00001.
gnomAD v4.1: 3 of 1,610,996 alleles (0.00019%); highest among the groups gnomAD compares: African/African-American, 0.004%; no homozygotes.

Submission:

GeneDx
Classification: Uncertain significance. Last evaluated: 2022-07-08. Review status: criteria provided, single submitter. Criteria: GeneDx Variant Classification Process June 2021. Collection method: clinical testing. Allele origin: germline. Affected: yes.
Comment: Not observed at significant frequency in large population cohorts (gnomAD); In silico analysis supports that this missense variant has a deleterious effect on protein structure/function; Has not been previously published as pathogenic or benign to our knowledge

NM_022124.6(CDH23):c.4779C>A (p.Asp1593Glu)

Gene: CDH23 (cadherin related 23; plus strand). Cytogenetic location: 10q22.1.
Variant type: single nucleotide variant.
Coding change: c.4779C>A on transcript NM_022124.6 (MANE Select); coding-DNA position 4779, C replaced by A.
Protein change: p.Asp1593Glu; replaces aspartic acid 1593 with glutamic acid.
Molecular consequence: missense variant.
Genome position (GRCh38, 1-based): chr10:71,741,855, C>A. VCF-style: chr10-71741855-C-A. GRCh37 (hg19) VCF-style: chr10-73501612-C-A.
Other names: short protein forms D1593E.
Identifiers: ClinVar variation 1810602 (VCV001810602.1), dbSNP rs1839743794, ClinGen allele CA377130303.
Genomic context (GRCh38, chr10:71,741,855, plus strand): 5'-CATGGCCTTCCGCATGGACCGCATCAGCGGTGAGATCGCCACACGGCCTGCCCCGCCTGA[C>A]CGCGAGCGCCAGAGCTTCTACCACCTGGTGGCCACTGTGGAGGACGAGGGCACCCCAACC-3'
Protein context (NP_071407.4, residues 1583-1603): GEIATRPAPP[Asp1593Glu]RERQSFYHLV